The following is an entry in ClinVar:

NM_022575.4(VPS16):c.1335T>G (p.Tyr445Ter)

Gene: VPS16 (VPS16 core subunit of CORVET and HOPS complexes; plus strand). Cytogenetic location: 20p13.
Variant type: single nucleotide variant.
Coding change: c.1335T>G on transcript NM_022575.4 (MANE Select); coding-DNA position 1335, T replaced by G.
Protein change: p.Tyr445Ter; replaces tyrosine 445 with a stop codon.
Molecular consequence: nonsense.
Genome position (GRCh38, 1-based): chr20:2,863,068, T>G. VCF-style: chr20-2863068-T-G. GRCh37 (hg19) VCF-style: chr20-2843714-T-G.
Other names: Y455*; c.903T>G, p.Tyr301Ter (NM_080413.3); short protein forms Y301*, Y445*.
Identifiers: ClinVar variation 976681 (VCV000976681.5), dbSNP rs374769660, ClinGen allele CA408056807.
Genomic context (GRCh38, chr20:2,863,068, plus strand): 5'-GGTACCTGGCAAGCGGGGCTTATTCTCCAACTGGATCCTTAACCGAGGAAAATACAGATA[T>G]AAGCAGCTCACCATCCAGGTGCTGCTGGACAGGTAGGGTAAGCCCAAGGGTGCAGTGAGC-3'

ClinVar aggregate classification (germline): Pathogenic. Review status: criteria provided, multiple submitters, no conflicts (2 of 4 stars). 3 submissions from 3 submitters: Pathogenic (2). 1 of the submissions does not count toward it. Last evaluated 2025-10-13.

Conditions:
Dystonia 30. Identifiers: MedGen C5543312, MONDO:0025691, OMIM 619291.
VPS16-associated disorder.

Submissions (3):

3billion
Classification: Pathogenic for Dystonia 30. Last evaluated: 2025-10-13. Review status: criteria provided, single submitter. Criteria: ACMG Guidelines, 2015. Collection method: clinical testing. Allele origin: germline. Affected: yes.
Comment: The variant is not observed in the gnomAD v4.1.0 dataset. Predicted Consequence/Location: Stop-gained (nonsense): predicted to result in a loss or disruption of normal protein function through nonsense-mediated decay (NMD) or protein truncation. Multiple pathogenic variants are reported downstream of the variant. The variant has been reported to be associated with VPS16-related disorder (ClinVar ID: VCV000976681 /PMID: 32808683). Therefore, this variant is classified as Pathogenic according to the recommendation of ACMG/AMP guideline.

Institute of Human Genetics Munich, TUM University Hospital
Classification: Pathogenic for VPS16-associated disorder. Last evaluated: 2020-05-04. Review status: criteria provided, single submitter. Criteria: Classification criteria August 2017. Collection method: clinical testing. Allele origin: paternal. Inheritance: Autosomal dominant inheritance. Affected: yes. Observed: 1 heterozygote.

OMIM
Classification: Pathogenic for DYSTONIA 30. Last evaluated: 2021-04-30. Review status: no assertion criteria provided. Collection method: literature only. Allele origin: germline. Not counted in ClinVar's aggregate classification.

Literature cited by the submitters: PubMed 32808683 (cited by 3billion and OMIM).